The following is an entry in ClinVar:

NM_001256545.2(MEGF10):c.493G>A (p.Gly165Arg)

Gene: MEGF10 (multiple EGF like domains 10; plus strand). Cytogenetic location: 5q23.2.
Variant type: single nucleotide variant.
Coding change: c.493G>A on transcript NM_001256545.2 (MANE Select); coding-DNA position 493, G replaced by A.
Protein change: p.Gly165Arg; replaces glycine 165 with arginine.
Molecular consequence: missense variant.
Genome position (GRCh38, 1-based): chr5:127,396,612, G>A. VCF-style: chr5-127396612-G-A. GRCh37 (hg19) VCF-style: chr5-126732304-G-A.
Other names: c.493G>A, p.Gly165Arg (NM_001308119.2, NM_001308121.2, NM_032446.3); short protein forms G165R.
Identifiers: ClinVar variation 2049738 (VCV002049738.4), dbSNP rs765084824, ClinGen allele CA3391305.

ClinVar aggregate classification (germline): Uncertain significance (1 of 4 stars; one submission).

Conditions:
MEGF10-related myopathy (CMYO10A). Also called: Congenital myopathy 10A, severe variant. Identifiers: Orphanet 439212, MedGen C3280679, MONDO:0013731, OMIM 614399.

Allele frequency attached by ClinVar (database versions not stated): ExAC 0.00001; gnomAD 0.00003; TOPMed 0.00003.
gnomAD v4.1: 26 of 1,612,862 alleles (0.0016%); highest among the groups gnomAD compares: East Asian, 0.0067%; no homozygotes.

Submission:

Labcorp Genetics (formerly Invitae), Labcorp
Classification: Uncertain significance for MEGF10-related myopathy. Last evaluated: 2022-01-17. Review status: criteria provided, single submitter. Criteria: Invitae Variant Classification Sherloc (09022015). Collection method: clinical testing. Allele origin: germline.
Comment: In summary, the available evidence is currently insufficient to determine the role of this variant in disease. Therefore, it has been classified as a Variant of Uncertain Significance. Algorithms developed to predict the effect of sequence changes on RNA splicing suggest that this variant may create or strengthen a splice site. Algorithms developed to predict the effect of missense changes on protein structure and function (SIFT, PolyPhen-2, Align-GVGD) all suggest that this variant is likely to be disruptive. This variant has not been reported in the literature in individuals affected with MEGF10-related conditions. This variant is present in population databases (rs765084824, gnomAD 0.01%). This sequence change replaces glycine, which is neutral and non-polar, with arginine, which is basic and polar, at codon 165 of the MEGF10 protein (p.Gly165Arg).